The following is an entry in ClinVar:

ClinVar aggregate classification (germline): Uncertain significance (1 of 4 stars; one submission).

Conditions:
Pityriasis rubra pilaris (PRP). Also called: Pityriasis rubra pilaris--familial type. Identifiers: Orphanet 2897, MedGen C0032027, MONDO:0100017, OMIM 173200, MONDO:0008251.
Psoriasis 2. Identifiers: MedGen C1864497, MONDO:0011269, OMIM 602723.

Allele frequency attached by ClinVar (database versions not stated): gnomAD exomes 0.00007; TOPMed 0.00008; ExAC 0.00009; gnomAD 0.00010 and 0.00011; 1000 Genomes Project 30x 0.00016; 1000 Genomes Project 0.00020; ESP Exome Variant Server 0.00023.
gnomAD v4.1: 38 of 1,613,704 alleles (0.0024%); highest among the groups gnomAD compares: Admixed American, 0.032%; no homozygotes.

Submission:

Labcorp Genetics (formerly Invitae), Labcorp
Classification: Uncertain significance for Pityriasis rubra pilaris; Psoriasis 2. Last evaluated: 2025-04-23. Review status: criteria provided, single submitter. Criteria: Invitae Variant Classification Sherloc (09022015). Collection method: clinical testing. Allele origin: germline.
Comment: This sequence change replaces arginine, which is basic and polar, with glutamine, which is neutral and polar, at codon 828 of the CARD14 protein (p.Arg828Gln). This variant is present in population databases (rs147592804, gnomAD 0.04%), and has an allele count higher than expected for a pathogenic variant. This variant has not been reported in the literature in individuals affected with CARD14-related conditions. ClinVar contains an entry for this variant (Variation ID: 527868). Invitae Evidence Modeling of protein sequence and biophysical properties (such as structural, functional, and spatial information, amino acid conservation, physicochemical variation, residue mobility, and thermodynamic stability) has been performed for this missense variant. However, the output from this modeling did not meet the statistical confidence thresholds required to predict the impact of this variant on CARD14 protein function. In summary, the available evidence is currently insufficient to determine the role of this variant in disease. Therefore, it has been classified as a Variant of Uncertain Significance.

NM_001366385.1(CARD14):c.2483G>A (p.Arg828Gln)

Genes: SGSH (N-sulfoglucosamine sulfohydrolase; minus strand), CARD14 (caspase recruitment domain family member 14; plus strand), LOC126862662 (MED14-independent group 3 enhancer GRCh37_chr17:78178385-78179584; plus strand). Cytogenetic location: 17q25.3.
Variant type: single nucleotide variant.
Coding change: c.2483G>A on transcript NM_001366385.1 (MANE Select); coding-DNA position 2483, G replaced by A.
Protein change: p.Arg828Gln; replaces arginine 828 with glutamine.
Molecular consequence: missense variant. On other transcripts: non-coding transcript variant (1).
Genome position (GRCh38, 1-based): chr17:80,205,119, G>A. VCF-style: chr17-80205119-G-A. GRCh37 (hg19) VCF-style: chr17-78178918-G-A.
Other names: c.2483G>A, p.Arg828Gln (NM_024110.4); short protein forms R828Q.
Identifiers: ClinVar variation 527868 (VCV000527868.11), dbSNP rs147592804, ClinGen allele CA8817343.